The following is an entry in ClinVar:

ClinVar aggregate classification (germline): Likely benign. Review status: criteria provided, multiple submitters, no conflicts (2 of 4 stars). 2 submissions from 2 submitters: Likely benign (2). Last evaluated 2026-01-11.

Conditions:
Generalized epilepsy with febrile seizures plus, type 9 (GEFSP9). Also called: GEFS+, TYPE 9. Identifiers: Orphanet 36387, MedGen C4015395, MONDO:0014517, OMIM 616172.

Allele frequency attached by ClinVar (database versions not stated): gnomAD 0.00002 and 0.00003; gnomAD exomes 0.00002 and 0.00003; TOPMed 0.00002; ExAC 0.00004.
gnomAD v4.1: 35 of 1,614,054 alleles (0.0022%); highest among the groups gnomAD compares: South Asian, 0.016%; no homozygotes.

Submissions (2):

Labcorp Genetics (formerly Invitae), Labcorp
Classification: Likely benign for Generalized epilepsy with febrile seizures plus, type 9. Last evaluated: 2026-01-11. Review status: criteria provided, single submitter. Criteria: Invitae Variant Classification Sherloc (09022015). Collection method: clinical testing. Allele origin: germline.

CeGaT Center for Human Genetics Tuebingen
Classification: Likely benign. Last evaluated: 2022-11-01. Review status: criteria provided, single submitter. Criteria: CeGaT Center For Human Genetics Tuebingen Variant Classification Criteria Version 2. Collection method: clinical testing. Allele origin: germline. Affected: yes. Observed: 1 variant allele.
Comment: STX1B: BP4, BP7

NM_052874.5(STX1B):c.663C>T (p.Leu221=)

Gene: STX1B (syntaxin 1B; minus strand). Cytogenetic location: 16p11.2.
Variant type: single nucleotide variant.
Coding change: c.663C>T on transcript NM_052874.5 (MANE Select); coding-DNA position 663, C replaced by T.
Protein change: p.Leu221=; no amino-acid change (leucine 221 retained).
Molecular consequence: synonymous variant.
Genome position (GRCh38, 1-based): chr16:30,993,359, G>A on the plus strand (C>T on the coding strand, the complement: STX1B is on the minus strand). VCF-style: chr16-30993359-G-A. GRCh37 (hg19) VCF-style: chr16-31004680-G-A.
Identifiers: ClinVar variation 1100059 (VCV001100059.32), dbSNP rs776867689, ClinGen allele CA8018305.